The following is an entry in ClinVar:

ClinVar aggregate classification (germline): Uncertain significance (1 of 4 stars; one submission).

Conditions:
PROK2-related disorder. Also called: PROK2-related condition.

Submission:

PreventionGenetics, part of Exact Sciences
Classification: Uncertain significance for PROK2-related condition. Last evaluated: 2025-09-16. Review status: criteria provided, single submitter. Criteria: ACMG Guidelines, 2015. Collection method: clinical testing. Allele origin: germline.
Comment: The PROK2 c.279A>T variant is predicted to result in the amino acid substitution p.Lys93Asn. To our knowledge, this variant has not been reported in the literature or in a large population database (gnomAD), indicating this variant is rare. At this time, the clinical significance of this variant is uncertain due to the absence of conclusive functional and genetic evidence.

NM_001126128.2(PROK2):c.279A>T (p.Lys93Asn)

Gene: PROK2 (prokineticin 2; minus strand). Cytogenetic location: 3p13.
Variant type: single nucleotide variant.
Coding change: c.279A>T on transcript NM_001126128.2 (MANE Select); coding-DNA position 279, A replaced by T.
Protein change: p.Lys93Asn; replaces lysine 93 with asparagine.
Molecular consequence: missense variant. On other transcripts: intron variant (1).
Genome position (GRCh38, 1-based): chr3:71,774,451, T>A on the plus strand (A>T on the coding strand, the complement: PROK2 is on the minus strand). VCF-style: chr3-71774451-T-A. GRCh37 (hg19) VCF-style: chr3-71823602-T-A.
Other names: c.223-1623A>T (NM_021935.4); short protein forms K93N.
Identifiers: ClinVar variation 4991425 (VCV004991425.1).